The following is an entry in ClinVar:

NM_001277115.2(DNAH11):c.781_782del (p.Asp261fs)

Gene: DNAH11 (dynein axonemal heavy chain 11; plus strand). Cytogenetic location: 7p15.3.
Variant type: Microsatellite.
Coding change: c.781_782del on transcript NM_001277115.2 (MANE Select); coding-DNA positions 781 to 782, 2 bases deleted (GA; older notation c.781_782delGA).
Protein change: p.Asp261fs; shifts the reading frame from aspartic acid 261.
Molecular consequence: frameshift variant.
Genome position (GRCh38, 1-based): chr7:21,559,691-21,559,692, GA deleted; deleting any 2 consecutive bases within chr7:21,559,688-21,559,692 gives the same sequence; the c. name uses the placement nearest the transcript's 3' end. VCF-style (leftmost placement, unchanged base first): chr7-21559687-AAG-A. GRCh37 (hg19) VCF-style: chr7-21599305-AAG-A.
Other names: short protein forms D261fs.
Identifiers: ClinVar variation 5007199 (VCV005007199.2).

ClinVar aggregate classification (germline): Likely pathogenic (1 of 4 stars; one submission).

Conditions:
Primary ciliary dyskinesia 7. Also called: CILIARY DYSKINESIA, PRIMARY, 7, WITH OR WITHOUT SITUS INVERSUS. Identifiers: Orphanet 244, MedGen C2678473, MONDO:0012748, OMIM 611884.

Submission:

Juno Genomics, Hangzhou Juno Genomics, Inc
Classification: Likely pathogenic for Primary ciliary dyskinesia 7. Review status: criteria provided, single submitter. Criteria: ACMG Guidelines, 2015. Collection method: clinical testing. Allele origin: germline.
Comment: Null variant in a gene where loss of function (LOF) is a known mechanism of disease.;Absent from controls (or at extremely low frequency if recessive) in Genome Aggregation Database.